The following is an entry in ClinVar:

NM_002907.4(RECQL):c.1552T>A (p.Ser518Thr)

Gene: RECQL (RecQ like helicase; minus strand). Cytogenetic location: 12p12.1.
Variant type: single nucleotide variant.
Coding change: c.1552T>A on transcript NM_002907.4 (MANE Select); coding-DNA position 1552, T replaced by A.
Protein change: p.Ser518Thr; replaces serine 518 with threonine.
Molecular consequence: missense variant.
Genome position (GRCh38, 1-based): chr12:21,471,543, A>T on the plus strand (T>A on the coding strand, the complement: RECQL is on the minus strand). VCF-style: chr12-21471543-A-T. GRCh37 (hg19) VCF-style: chr12-21624477-A-T.
Other names: c.1552T>A, p.Ser518Thr (NM_032941.3); short protein forms S518T.
Identifiers: ClinVar variation 1775091 (VCV001775091.2), dbSNP rs2540321403, ClinGen allele CA384116169.

ClinVar aggregate classification (germline): Uncertain significance (1 of 4 stars; one submission).

Submission:

Ambry Genetics
Classification: Uncertain significance. Last evaluated: 2022-08-11. Review status: criteria provided, single submitter. Criteria: Ambry Variant Classification Scheme 2023. Collection method: clinical testing. Allele origin: germline.
Comment: The p.S518T variant (also known as c.1552T>A), located in coding exon 12 of the RECQL gene, results from a T to A substitution at nucleotide position 1552. The serine at codon 518 is replaced by threonine, an amino acid with similar properties. This amino acid position is conserved. In addition, this alteration is predicted to be tolerated by in silico analysis. Since supporting evidence is limited at this time, the clinical significance of this alteration remains unclear.